The following is an entry in ClinVar:

NM_007294.4(BRCA1):c.890T>A (p.Met297Lys)

Gene: BRCA1 (BRCA1 DNA repair associated; minus strand). Cytogenetic location: 17q21.31.
Variant type: single nucleotide variant.
Coding change: c.890T>A on transcript NM_007294.4 (MANE Select); coding-DNA position 890, T replaced by A.
Protein change: p.Met297Lys; replaces methionine 297 with lysine.
Molecular consequence: missense variant. On other transcripts: intron variant (137), initiator codon variant (2).
Genome position (GRCh38, 1-based): chr17:43,094,641, A>T on the plus strand (T>A on the coding strand, the complement: BRCA1 is on the minus strand). VCF-style: chr17-43094641-A-T. GRCh37 (hg19) VCF-style: chr17-41246658-A-T.
Other names: 1009T>A; c.677T>A, p.Met226Lys (NM_001407571.1, NM_001407915.1, NM_001407916.1 and 9 more transcripts); c.890T>A, p.Met297Lys (NM_001407581.1, NM_001407582.1, NM_001407583.1 and 30 more transcripts); c.887T>A, p.Met296Lys (NM_001407587.1, NM_001407590.1, NM_001407591.1 and 22 more transcripts); c.812T>A, p.Met271Lys (NM_001407654.1, NM_001407655.1, NM_001407656.1 and 4 more transcripts); c.809T>A, p.Met270Lys (NM_001407659.1, NM_001407660.1, NM_001407661.1 and 1 more transcripts); c.764T>A, p.Met255Lys (NM_001407673.1, NM_001407649.1, NM_001407670.1 and 11 more transcripts); c.767T>A, p.Met256Lys (NM_001407674.1, NM_001407675.1, NM_001407676.1 and 19 more transcripts); and 41 more; short protein forms M297K, M250K, M185K, M256K, M296K, M229K, M249K, M169K.
Identifiers: ClinVar variation 55742 (VCV000055742.23), dbSNP rs80356924, ClinGen allele CA003951.

ClinVar aggregate classification (germline): Conflicting classifications of pathogenicity. Review status: criteria provided, conflicting classifications (1 of 4 stars). 7 submissions from 7 submitters: Uncertain significance (3); Likely benign (1). 3 of the submissions do not count toward it. Last evaluated 2024-11-05.

Conditions:
Hereditary cancer-predisposing syndrome. Also called: Hereditary Cancer Syndrome; Hereditary neoplastic syndrome; Neoplastic Syndromes, Hereditary; Tumor predisposition. Identifiers: Orphanet 140162, MedGen C0027672, MeSH D009386, MONDO:0015356.
Breast-ovarian cancer, familial, susceptibility to, 1 (BROVCA1). Also called: BRCA1 Hereditary Breast and Ovarian Cancer; OVARIAN CANCER, SUSCEPTIBILITY TO. Identifiers: Orphanet 145, MedGen C2676676, MONDO:0011450, OMIM 604370. Disease mechanism: loss of function.
Hereditary breast ovarian cancer syndrome. Also called: BRCA1- and BRCA2-Associated Hereditary Breast and Ovarian Cancer; Hereditary breast and ovarian cancer syndrome; Hereditary breast and ovarian cancer syndrome (HBOC); Breast and ovarian cancer; Hereditary breast and/or ovarian cancer syndrome; Hereditary breast and ovarian cancer. Identifiers: Orphanet 145, MedGen C0677776, MeSH D061325, MONDO:0003582. Disease mechanism: loss of function.

Allele frequency attached by ClinVar (database versions not stated): gnomAD exomes below 0.00001; TOPMed below 0.00001; ExAC 0.00001; ESP Exome Variant Server 0.00008.
gnomAD v4.1: 1 of 1,614,122 alleles (0.000062%); highest among the groups gnomAD compares: Non-Finnish European, 0.000085%; no homozygotes.

Submissions (7):

Labcorp Genetics (formerly Invitae), Labcorp
Classification: Uncertain significance for Hereditary breast ovarian cancer syndrome. Last evaluated: 2024-11-05. Review status: criteria provided, single submitter. Criteria: Invitae Variant Classification Sherloc (09022015). Collection method: clinical testing. Allele origin: germline.
Comment: This sequence change replaces methionine, which is neutral and non-polar, with lysine, which is basic and polar, at codon 297 of the BRCA1 protein (p.Met297Lys). This variant is present in population databases (rs80356924, gnomAD 0.0009%). This missense change has been observed in individual(s) with breast and/or ovarian cancer (PMID: 27062684). ClinVar contains an entry for this variant (Variation ID: 55742). Invitae Evidence Modeling of protein sequence and biophysical properties (such as structural, functional, and spatial information, amino acid conservation, physicochemical variation, residue mobility, and thermodynamic stability) indicates that this missense variant is not expected to disrupt BRCA1 protein function with a negative predictive value of 80%. In summary, the available evidence is currently insufficient to determine the role of this variant in disease. Therefore, it has been classified as a Variant of Uncertain Significance.

University of Washington Department of Laboratory Medicine, University of Washington
Classification: Likely benign for Hereditary cancer-predisposing syndrome. Last evaluated: 2023-03-23. Review status: criteria provided, single submitter. Criteria: Dines et al. (Genet Med. 2020). Collection method: curation. Allele origin: germline.
Comment: Missense variant in a coldspot region where missense variants are very unlikely to be pathogenic (PMID:31911673).

BRCA1 coldspot (exon 11 using historical exon numbering). Reclassification based on statistical prior probability

Color Diagnostics, LLC DBA Color Health
Classification: Uncertain significance for Hereditary cancer-predisposing syndrome. Last evaluated: 2019-02-20. Review status: criteria provided, single submitter. Criteria: ACMG Guidelines, 2015. Collection method: clinical testing. Allele origin: germline.

Ambry Genetics
Classification: Uncertain significance for Hereditary cancer-predisposing syndrome. Last evaluated: 2016-02-26. Review status: criteria provided, single submitter. Criteria: Ambry Variant Classification Scheme 2023. Collection method: clinical testing. Allele origin: germline.
Comment: The p.M297K variant (also known as c.890T>A), located in coding exon 9 of the BRCA1 gene, results from a T to A substitution at nucleotide position 890. The methionine at codon 297 is replaced by lysine, an amino acid with similar properties. This amino acid position is not well conserved in available vertebrate species. In addition, this alteration is predicted to be deleterious by in silico analysis. Since supporting evidence is limited at this time, the clinical significance of this alteration remains unclear.

Counsyl
Classification: Uncertain significance for Breast-ovarian cancer, familial, susceptibility to, 1. Last evaluated: 2016-02-08. Review status: no assertion criteria provided. Collection method: clinical testing. Allele origin: unknown. Not counted in ClinVar's aggregate classification.

Sharing Clinical Reports Project (SCRP)
Classification: Uncertain significance for Breast-ovarian cancer, familial 1. Last evaluated: 2009-04-13. Review status: no assertion criteria provided. Collection method: clinical testing. Allele origin: germline. Not counted in ClinVar's aggregate classification.

Breast Cancer Information Core (BIC) (BRCA1)
Classification: Uncertain significance for Breast-ovarian cancer, familial 1. Last evaluated: 2004-11-25. Review status: no assertion criteria provided. Collection method: clinical testing. Allele origin: germline. Affected: yes. Observed: 1 variant allele. Not counted in ClinVar's aggregate classification.

Literature cited by the submitters: PubMed 27062684 (cited by Labcorp Genetics (formerly Invitae), Labcorp).